The following is an entry in ClinVar:

ClinVar aggregate classification (germline): Uncertain significance. Review status: criteria provided, multiple submitters, no conflicts (2 of 4 stars). 2 submissions from 2 submitters: Uncertain significance (2). Last evaluated 2025-09-25.

Conditions:
PIEZO2-related disorder. Also called: PIEZO2-related condition; PIEZO2-related disorders.
Inborn genetic diseases. Identifiers: MedGen C0950123, MeSH D030342.

Submissions (2):

Ambry Genetics
Classification: Uncertain significance for Inborn genetic diseases. Last evaluated: 2025-09-25. Review status: criteria provided, single submitter. Criteria: Ambry Variant Classification Scheme 2023. Collection method: clinical testing. Allele origin: germline.

PreventionGenetics, part of Exact Sciences
Classification: Uncertain significance for PIEZO2-related condition. Last evaluated: 2025-01-31. Review status: criteria provided, single submitter. Criteria: ACMG Guidelines, 2015. Collection method: clinical testing. Allele origin: germline.
Comment: The PIEZO2 c.311G>A variant is predicted to result in the amino acid substitution p.Arg104Gln. To our knowledge, this variant has not been reported in the literature or in a large population database (gnomAD), indicating this variant is rare. At this time, the clinical significance of this variant is uncertain due to the absence of conclusive functional and genetic evidence.

NM_001378183.1(PIEZO2):c.311G>A (p.Arg104Gln)

Gene: PIEZO2 (piezo type mechanosensitive ion channel component 2; minus strand). Cytogenetic location: 18p11.21.
Variant type: single nucleotide variant.
Coding change: c.311G>A on transcript NM_001378183.1 (MANE Select); coding-DNA position 311, G replaced by A.
Protein change: p.Arg104Gln; replaces arginine 104 with glutamine.
Molecular consequence: missense variant.
Genome position (GRCh38, 1-based): chr18:10,911,204, C>T on the plus strand (G>A on the coding strand, the complement: PIEZO2 is on the minus strand). VCF-style: chr18-10911204-C-T. GRCh37 (hg19) VCF-style: chr18-10911202-C-T.
Other names: c.311G>A (NM_022068.3); c.311G>A, p.Arg104Gln (NM_001410871.1, NM_022068.4); short protein forms R104Q.
Identifiers: ClinVar variation 4627517 (VCV004627517.2).